The following is an entry in ClinVar:

NM_003850.3(SUCLA2):c.1210del (p.Val404fs)

Gene: SUCLA2 (succinate-CoA ligase ADP-forming subunit beta; minus strand). Cytogenetic location: 13q14.2.
Variant type: Deletion.
Coding change: c.1210del on transcript NM_003850.3 (MANE Select); coding-DNA position 1210, one base deleted (G; older notation c.1210delG).
Protein change: p.Val404fs; shifts the reading frame from valine 404.
Molecular consequence: frameshift variant.
Genome position (GRCh38, 1-based): chr13:47,949,501, C deleted on the plus strand (G on the coding strand, the reverse complement: SUCLA2 is on the minus strand). VCF-style (leftmost placement, unchanged base first): chr13-47949500-AC-A. GRCh37 (hg19) VCF-style: chr13-48523635-AC-A.
Other names: short protein forms V404fs.
Identifiers: ClinVar variation 4293474 (VCV004293474.1).
Genomic context (GRCh38, chr13:47,949,500, plus strand): 5'-TTTAAAGAATTAGGAACAACTGCAAGATACCTTTTATACTCACCTTGTAACCGTACCACA[AC>A]AGGTATTTTAATTTCCAAGTCTTTTACTGCCATGACTATACCCTGTGCAATAACATCACA-3'

ClinVar aggregate classification (germline): Pathogenic (1 of 4 stars; one submission).

Conditions:
Mitochondrial DNA depletion syndrome, encephalomyopathic form with methylmalonic aciduria (MTDPS5). Also called: MITOCHONDRIAL DNA DEPLETION SYNDROME, ENCEPHALOMYOPATHIC FORM, WITH OR WITHOUT METHYLMALONIC ACIDURIA, AUTOSOMAL RECESSIVE, SUCLA2-RELATED; Mitochondrial DNA depletion syndrome 5 (encephalomyopathic with or without methylmalonic aciduria); Mitochondrial encephalomyopathy aminoacidopathy; SUCLA2-Related Mitochondrial DNA Depletion Syndrome, Encephalomyopathic Form with Methylmalonic Aciduria. Identifiers: Orphanet 1933, MedGen C5980207, MONDO:0012791, OMIM 612073.

Submission:

3billion
Classification: Pathogenic for Mitochondrial DNA depletion syndrome, encephalomyopathic form with methylmalonic aciduria. Last evaluated: 2025-02-20. Review status: criteria provided, single submitter. Criteria: ACMG Guidelines, 2015. Collection method: clinical testing. Allele origin: germline. Affected: yes.
Comment: The variant is not observed in the gnomAD v4.1.0 dataset. Predicted Consequence/Location: Frameshift: predicted to result in a loss or disruption of normal protein function through nonsense-mediated decay (NMD) or protein truncation. Multiple pathogenic variants are reported downstream of the variant. Therefore, this variant is classified as Pathogenic according to the recommendation of ACMG/AMP guideline.